The following is an entry in ClinVar:

NM_000368.5(TSC1):c.1636G>T (p.Asp546Tyr)

Gene: TSC1 (TSC complex subunit 1; minus strand). Cytogenetic location: 9q34.13.
Variant type: single nucleotide variant.
Coding change: c.1636G>T on transcript NM_000368.5 (MANE Select); coding-DNA position 1636, G replaced by T.
Protein change: p.Asp546Tyr; replaces aspartic acid 546 with tyrosine.
Molecular consequence: missense variant.
Genome position (GRCh38, 1-based): chr9:132,905,942, C>A on the plus strand (G>T on the coding strand, the complement: TSC1 is on the minus strand). VCF-style: chr9-132905942-C-A. GRCh37 (hg19) VCF-style: chr9-135781329-C-A.
Other names: c.1633G>T, p.Asp545Tyr (NM_001162426.2); c.1483G>T, p.Asp495Tyr (NM_001162427.2); c.1273G>T, p.Asp425Tyr (NM_001362177.2); short protein forms D545Y, D425Y, D546Y, D495Y.
Identifiers: ClinVar variation 1435401 (VCV001435401.8), dbSNP rs774671298, ClinGen allele CA029277.

ClinVar aggregate classification (germline): Conflicting classifications of pathogenicity. Review status: criteria provided, conflicting classifications (1 of 4 stars). 3 submissions from 3 submitters: Uncertain significance (1); Benign (1); Likely benign (1). Last evaluated 2025-09-14.

Conditions:
Hereditary cancer-predisposing syndrome. Also called: Neoplastic Syndromes, Hereditary; Hereditary Cancer Syndrome; Tumor predisposition; Hereditary neoplastic syndrome. Identifiers: Orphanet 140162, MedGen C0027672, MeSH D009386, MONDO:0015356.
Tuberous sclerosis 1 (TSC1). Identifiers: Orphanet 805, MedGen C1854465, MONDO:0008612, OMIM 191100.
Tuberous sclerosis syndrome (TSC). Also called: Tuberous sclerosis; Tuberous Sclerosis Complex. Identifiers: Orphanet 805, MedGen C0041341, MONDO:0001734.

Allele frequency attached by ClinVar (database versions not stated): ExAC 0.00001; gnomAD exomes 0.00001 and 0.00002.
gnomAD v4.1: 13 of 1,613,928 alleles (0.00081%); highest among the groups gnomAD compares: South Asian, 0.011%; no homozygotes.

Submissions (3):

Color Diagnostics, LLC DBA Color Health
Classification: Uncertain significance for Tuberous sclerosis syndrome. Last evaluated: 2025-09-14. Review status: criteria provided, single submitter. Criteria: ACMG Guidelines, 2015. Collection method: clinical testing. Allele origin: germline.
Comment: This missense variant replaces aspartic acid with tyrosine at codon 546 of the TSC1 protein. Computational prediction is inconclusive regarding the impact of this variant on protein structure and function. To our knowledge, functional studies have not been reported for this variant. This variant has not been reported in individuals affected with TSC1-related disorders in the literature. This variant has been identified in 5/251240 chromosomes in the general population by the Genome Aggregation Database (gnomAD). The available evidence is insufficient to determine the role of this variant in disease conclusively. Therefore, this variant is classified as a Variant of Uncertain Significance.

Labcorp Genetics (formerly Invitae), Labcorp
Classification: Benign for Tuberous sclerosis 1. Last evaluated: 2025-01-29. Review status: criteria provided, single submitter. Criteria: Invitae Variant Classification Sherloc (09022015). Collection method: clinical testing. Allele origin: germline.

Ambry Genetics
Classification: Likely benign for Hereditary cancer-predisposing syndrome. Last evaluated: 2022-09-21. Review status: criteria provided, single submitter. Criteria: Ambry Variant Classification Scheme 2023. Collection method: clinical testing. Allele origin: germline.